The following is an entry in ClinVar:

ClinVar aggregate classification (germline): Conflicting classifications of pathogenicity. Review status: criteria provided, conflicting classifications (1 of 4 stars). 2 submissions from 2 submitters: Uncertain significance (1); Likely benign (1). Last evaluated 2023-08-01.

Allele frequency attached by ClinVar (database versions not stated): ExAC 0.00032; 1000 Genomes Project 0.00040; gnomAD exomes 0.00045; 1000 Genomes Project 30x 0.00047; gnomAD 0.00047; TOPMed 0.00056.
gnomAD v4.1: 705 of 1,545,430 alleles (0.046%); highest among the groups gnomAD compares: African/African-American, 0.073%; no homozygotes.

Submissions (2):

CeGaT Center for Human Genetics Tuebingen
Classification: Likely benign. Last evaluated: 2023-08-01. Review status: criteria provided, single submitter. Criteria: CeGaT Center For Human Genetics Tuebingen Variant Classification Criteria Version 2. Collection method: clinical testing. Allele origin: germline. Affected: yes. Observed: 1 variant allele.
Comment: COL6A5: BS2

Ambry Genetics
Classification: Uncertain significance. Last evaluated: 2021-06-22. Review status: criteria provided, single submitter. Criteria: Ambry Variant Classification Scheme 2023. Collection method: clinical testing. Allele origin: germline.

NM_001278298.2(COL6A5):c.3538C>T (p.Arg1180Cys)

Gene: COL6A5 (collagen type VI alpha 5 chain; plus strand). Cytogenetic location: 3q22.1.
Variant type: single nucleotide variant.
Coding change: c.3538C>T on transcript NM_001278298.2 (MANE Select); coding-DNA position 3538, C replaced by T.
Protein change: p.Arg1180Cys; replaces arginine 1180 with cysteine.
Molecular consequence: missense variant. On other transcripts: non-coding transcript variant (1).
Genome position (GRCh38, 1-based): chr3:130,395,435, C>T. VCF-style: chr3-130395435-C-T. GRCh37 (hg19) VCF-style: chr3-130114278-C-T.
Other names: c.3538C>T, p.Arg1180Cys (NM_001412157.1, NM_153264.7); short protein forms R1180C.
Identifiers: ClinVar variation 2344223 (VCV002344223.26), dbSNP rs543746446, ClinGen allele CA2610998.